The following is an entry in ClinVar:

NM_000918.4(P4HB):c.1446+135C>T

Gene: P4HB (prolyl 4-hydroxylase subunit beta; minus strand). Cytogenetic location: 17q25.3.
Variant type: single nucleotide variant.
Coding change: c.1446+135C>T on transcript NM_000918.4 (MANE Select); 135 bases into the intron after coding-DNA position 1446, C replaced by T.
Molecular consequence: intron variant.
Genome position (GRCh38, 1-based): chr17:81,845,009, G>A on the plus strand (C>T on the coding strand, the complement: P4HB is on the minus strand). VCF-style: chr17-81845009-G-A. GRCh37 (hg19) VCF-style: chr17-79802885-G-A.
Identifiers: ClinVar variation 3388119 (VCV003388119.14).

ClinVar aggregate classification (germline): Likely benign (1 of 4 stars; one submission).

Submission:

CeGaT Center for Human Genetics Tuebingen
Classification: Likely benign. Last evaluated: 2025-12-01. Review status: criteria provided, single submitter. Criteria: CeGaT Center For Human Genetics Tuebingen Variant Classification Criteria Version 2. Collection method: clinical testing. Allele origin: germline. Affected: yes. Observed: 3 variant alleles.
Comment: P4HB: BP4, BP7, BS2